The following is an entry in ClinVar:

ClinVar aggregate classification (germline): Conflicting classifications of pathogenicity. Review status: criteria provided, conflicting classifications (1 of 4 stars). 7 submissions from 7 submitters: Uncertain significance (3); Likely benign (3). 1 of the submissions does not count toward it. Last evaluated 2024-12-23.

Conditions:
Hereditary cancer-predisposing syndrome. Also called: Neoplastic Syndromes, Hereditary; Hereditary Cancer Syndrome; Hereditary neoplastic syndrome; Tumor predisposition. Identifiers: Orphanet 140162, MedGen C0027672, MeSH D009386, MONDO:0015356.
Hereditary breast ovarian cancer syndrome. Also called: Hereditary breast and ovarian cancer syndrome; Hereditary breast and/or ovarian cancer syndrome; BRCA1- and BRCA2-Associated Hereditary Breast and Ovarian Cancer; Hereditary breast and ovarian cancer; Breast and ovarian cancer; Hereditary breast and ovarian cancer syndrome (HBOC). Identifiers: Orphanet 145, MedGen C0677776, MeSH D061325, MONDO:0003582. Disease mechanism: loss of function.
Breast-ovarian cancer, familial, susceptibility to, 2 (BROVCA2). Also called: BRCA2 Hereditary Breast and Ovarian Cancer. Identifiers: Orphanet 145, MedGen C2675520, MONDO:0012933, OMIM 612555. Disease mechanism: loss of function.

gnomAD v4.1: 1 of 1,605,248 alleles (0.000062%); highest among the groups gnomAD compares: Non-Finnish European, 0.000085%; no homozygotes.

Submissions (7):

Labcorp Genetics (formerly Invitae), Labcorp
Classification: Likely benign for Hereditary breast ovarian cancer syndrome. Last evaluated: 2024-12-23. Review status: criteria provided, single submitter. Criteria: Invitae Variant Classification Sherloc (09022015). Collection method: clinical testing. Allele origin: germline.

All of Us Research Program, National Institutes of Health
Classification: Uncertain significance for Breast-ovarian cancer, familial, susceptibility to, 2. Last evaluated: 2023-11-20. Review status: criteria provided, single submitter. Criteria: ACMG Guidelines, 2015. Collection method: clinical testing. Allele origin: germline. Inheritance: Autosomal dominant inheritance. Observed: 2 variant alleles, 2 heterozygotes.
Comment: This missense variant replaces asparagine with lysine at codon 830 of the BRCA2 protein. Computational prediction suggests that this variant may not impact protein structure and function (internally defined REVEL score threshold <= 0.5, PMID: 27666373). To our knowledge, functional studies have not been reported for this variant. This variant has not been reported in individuals affected with BRCA2-related disorders in the literature. This variant has not been identified in the general population by the Genome Aggregation Database (gnomAD). The available evidence is insufficient to determine the role of this variant in disease conclusively. Therefore, this variant is classified as a Variant of Uncertain Significance.

This study involves interpretation of variants in research participants for the purpose of population health screening. Participant phenotype was not available at the time of variant classification. Additional details can be found in publication PMID: 35346344, PMCID: PMC8962531

Color Diagnostics, LLC DBA Color Health
Classification: Uncertain significance for Hereditary cancer-predisposing syndrome. Last evaluated: 2023-11-01. Review status: criteria provided, single submitter. Criteria: ACMG Guidelines, 2015. Collection method: clinical testing. Allele origin: germline.
Comment: This missense variant replaces asparagine with lysine at codon 830 of the BRCA2 protein. Computational prediction suggests that this variant may not impact protein structure and function (internally defined REVEL score threshold <= 0.5, PMID: 27666373). To our knowledge, functional studies have not been reported for this variant. This variant has not been reported in individuals affected with BRCA2-related disorders in the literature. This variant has not been identified in the general population by the Genome Aggregation Database (gnomAD). The available evidence is insufficient to determine the role of this variant in disease conclusively. Therefore, this variant is classified as a Variant of Uncertain Significance.

University of Washington Department of Laboratory Medicine, University of Washington
Classification: Likely benign for Hereditary cancer-predisposing syndrome. Last evaluated: 2023-03-23. Review status: criteria provided, single submitter. Criteria: Dines et al. (Genet Med. 2020). Collection method: curation. Allele origin: germline.
Comment: Missense variant in a coldspot region where missense variants are very unlikely to be pathogenic (PMID:31911673).

BRCA2 exon 11 coldspot. Reclassification based on statistical prior probability.

GeneDx
Classification: Uncertain significance. Last evaluated: 2020-02-03. Review status: criteria provided, single submitter. Criteria: GeneDx Variant Classification Process June 2021. Collection method: clinical testing. Allele origin: germline. Affected: yes.
Comment: Not observed in large population cohorts (Lek et al., 2016); In silico analysis supports that this missense variant does not alter protein structure/function; Has not been previously published as pathogenic or benign to our knowledge; Also known as 2718C>A

Ambry Genetics
Classification: Likely benign for Hereditary cancer-predisposing syndrome. Last evaluated: 2018-04-25. Review status: criteria provided, single submitter. Criteria: Ambry Variant Classification Scheme 2023. Collection method: clinical testing. Allele origin: germline.

Counsyl
Classification: Uncertain significance for Breast-ovarian cancer, familial, susceptibility to, 2. Last evaluated: 2016-08-04. Review status: no assertion criteria provided. Collection method: clinical testing. Allele origin: unknown. Not counted in ClinVar's aggregate classification.

NM_000059.4(BRCA2):c.2490C>A (p.Asn830Lys)

Gene: BRCA2 (BRCA2 DNA repair associated; plus strand). Cytogenetic location: 13q13.1.
Variant type: single nucleotide variant.
Coding change: c.2490C>A on transcript NM_000059.4 (MANE Select); coding-DNA position 2490, C replaced by A.
Protein change: p.Asn830Lys; replaces asparagine 830 with lysine.
Molecular consequence: missense variant.
Genome position (GRCh38, 1-based): chr13:32,336,845, C>A. VCF-style: chr13-32336845-C-A. GRCh37 (hg19) VCF-style: chr13-32910982-C-A.
Other names: short protein forms N830K.
Identifiers: ClinVar variation 141153 (VCV000141153.27), dbSNP rs56331088, ClinGen allele CA015457.